The following is an entry in ClinVar:

ClinVar aggregate classification (germline): Conflicting classifications of pathogenicity. Review status: criteria provided, conflicting classifications (1 of 4 stars). 2 submissions from 2 submitters: Likely pathogenic (1); Uncertain significance (1). Last evaluated 2025-07-08.

Conditions:
Cystinuria (CSNU). Also called: CYSTINURIA, TYPE I; CYSTINURIA, TYPE II; CYSTINURIA, TYPE III; Cystinuria, non-type I. Identifiers: Orphanet 214, MedGen C0010691, MONDO:0009067, OMIM 220100, HP:0003131.
SLC3A1-related disorder. Also called: SLC3A1-related condition.

Submissions (2):

PreventionGenetics, part of Exact Sciences
Classification: Likely pathogenic for SLC3A1-related condition. Last evaluated: 2025-07-08. Review status: criteria provided, single submitter. Criteria: ACMG Guidelines, 2015. Collection method: clinical testing. Allele origin: germline.
Comment: The SLC3A1 c.1332+2dupT variant is predicted to result in an intronic duplication. This variant is predicted to disrupt a canonical splice donor site and impact splicing (SpliceAI, Jaganathan et al. 2019. PubMed ID: 30661751). A similar variant (c.1332+2T>A) has been reported in a compound heterozygous individual with a second pathogenic variant presenting with cystinuria (Table S2, Zhao et al. 2022. PubMed ID: 35149915). To our knowledge, this variant has not been reported in the literature. This variant is reported in 0.0062% of alleles in individuals of African descent in gnomAD. Variants that disrupt canonical splice sites in SLC3A1 are expected to be pathogenic. This variant is interpreted as likely pathogenic.

Fulgent Genetics
Classification: Uncertain significance for Cystinuria. Last evaluated: 2024-04-23. Review status: criteria provided, single submitter. Criteria: ACMG Guidelines, 2015. Collection method: clinical testing. Allele origin: germline.

NM_000341.4(SLC3A1):c.1332+2dup

Gene: SLC3A1 (solute carrier family 3 member 1; plus strand). Cytogenetic location: 2p21.
Variant type: Duplication.
Coding change: c.1332+2dup on transcript NM_000341.4 (MANE Select); the canonical splice donor site of the intron after coding-DNA position 1332, one base duplicated (T; older notation c.1332+2dupT).
Molecular consequence: splice donor variant.
Genome position (GRCh38, 1-based): chr2:44,304,340, T duplicated. VCF-style (leftmost placement, unchanged base first): chr2-44304339-G-GT. GRCh37 (hg19) VCF-style: chr2-44531478-G-GT.
Other names: c.1332+2dupT (NM_000341.3).
Identifiers: ClinVar variation 3586668 (VCV003586668.2).